The following is an entry in ClinVar:

ClinVar aggregate classification (germline): Benign. Review status: reviewed by expert panel (3 of 4 stars). 15 submissions from 15 submitters: Benign (1). 14 of the submissions do not count toward it. Last evaluated 2015-01-12.

Conditions:
Familial cancer of breast. Also called: BREAST CANCER, FAMILIAL; Hereditary breast cancer; hereditary breast carcinoma. Identifiers: Orphanet 227535, MedGen C0346153, MONDO:0016419, OMIM 114480. Disease mechanism: loss of function.
Breast-ovarian cancer, familial, susceptibility to, 2 (BROVCA2). Also called: BRCA2 Hereditary Breast and Ovarian Cancer. Identifiers: Orphanet 145, MedGen C2675520, MONDO:0012933, OMIM 612555. Disease mechanism: loss of function.
Hereditary breast ovarian cancer syndrome. Also called: Hereditary breast and/or ovarian cancer syndrome; Hereditary breast and ovarian cancer; Hereditary breast and ovarian cancer syndrome (HBOC); BRCA1- and BRCA2-Associated Hereditary Breast and Ovarian Cancer; Breast and ovarian cancer; Hereditary breast and ovarian cancer syndrome. Identifiers: Orphanet 145, MedGen C0677776, MeSH D061325, MONDO:0003582. Disease mechanism: loss of function.

Allele frequency attached by ClinVar (database versions not stated): gnomAD exomes 0.00199 and 0.00512; ExAC 0.00628; gnomAD 0.01961 and 0.02098; TOPMed 0.02189; ESP Exome Variant Server 0.02230; 1000 Genomes Project 0.02416; 1000 Genomes Project 30x 0.02545.

Submissions (15):

Evidence-based Network for the Interpretation of Germline Mutant Alleles (ENIGMA)
Classification: Benign for Breast-ovarian cancer, familial 2. Last evaluated: 2015-01-12. Review status: reviewed by expert panel. Criteria: ENIGMA BRCA1/2 Classification Criteria (2015). Collection method: curation. Allele origin: germline.
Comment: Class 1 not pathogenic based on frequency >1% in an outbred sampleset. Frequency 0.09553 (African), derived from 1000 genomes (2012-04-30).

Labcorp Genetics (formerly Invitae), Labcorp
Classification: Benign for Hereditary breast ovarian cancer syndrome. Last evaluated: 2026-02-04. Review status: criteria provided, single submitter. Criteria: Invitae Variant Classification Sherloc (09022015). Collection method: clinical testing. Allele origin: germline. Not counted in ClinVar's aggregate classification.

Genetics Program, Instituto Nacional de Cancer
Classification: Benign for Hereditary breast ovarian cancer syndrome. Last evaluated: 2021-11-01. Review status: criteria provided, single submitter. Criteria: ACMG Guidelines, 2015. Collection method: research. Allele origin: germline. Affected: yes. Not counted in ClinVar's aggregate classification.

ARUP Laboratories, Molecular Genetics and Genomics, ARUP Laboratories
Classification: Benign. Last evaluated: 2020-10-20. Review status: criteria provided, single submitter. Criteria: ARUP Molecular Germline Variant Investigation Process 2021. Collection method: clinical testing. Allele origin: germline. Not counted in ClinVar's aggregate classification.

GeneKor MSA
Classification: Benign. Last evaluated: 2017-11-01. Review status: criteria provided, single submitter. Criteria: ACMG Guidelines, 2015. Collection method: clinical testing. Allele origin: germline. Affected: yes. Not counted in ClinVar's aggregate classification.

IntelligeneCG
Classification: Benign for Familial cancer of breast. Last evaluated: 2017-08-18. Review status: criteria provided, single submitter. Criteria: ACMG Guidelines, 2015. Collection method: clinical testing. Allele origin: germline. Affected: no. Not counted in ClinVar's aggregate classification.

Baylor Genetics
Classification: Benign for Familial cancer of breast. Last evaluated: 2017-02-23. Review status: criteria provided, single submitter. Criteria: ACMG Guidelines, 2015. Collection method: clinical testing. Allele origin: germline. Inheritance: Autosomal dominant inheritance. Affected: no. Not counted in ClinVar's aggregate classification.

Molecular Genetics Laboratory, University of Michigan
Classification: Benign for Breast-ovarian cancer, familial, susceptibility to, 2. Last evaluated: 2016-04-21. Review status: criteria provided, single submitter. Criteria: ACMG Guidelines, 2015. Collection method: clinical testing. Allele origin: germline. Affected: yes. Not counted in ClinVar's aggregate classification.

Clinical Genetics DNA and cytogenetics Diagnostics Lab, Erasmus MC, Erasmus Medical Center
Classification: Benign for Breast-ovarian cancer, familial, susceptibility to, 2. Last evaluated: 2015-09-21. Review status: criteria provided, single submitter. Criteria: ACGS Guidelines, 2013. Collection method: clinical testing. Allele origin: germline. Affected: yes. Study: VKGL Data-share Consensus. Not counted in ClinVar's aggregate classification.

Genome Diagnostics Laboratory, University Medical Center Utrecht
Classification: Benign for Breast-ovarian cancer, familial, susceptibility to, 2. Last evaluated: 2014-10-09. Review status: criteria provided, single submitter. Criteria: ACGS Guidelines, 2013. Collection method: clinical testing. Allele origin: germline. Affected: yes. Study: VKGL Data-share Consensus. Not counted in ClinVar's aggregate classification.

Department of Pathology and Laboratory Medicine, Sinai Health System
Classification: Benign for Familial cancer of breast; Breast-ovarian cancer, familial, susceptibility to, 2. Last evaluated: 2012-04-05. Review status: criteria provided, single submitter. Criteria: ACMG Guidelines, 2015. Collection method: clinical testing. Allele origin: germline. Affected: yes. Not counted in ClinVar's aggregate classification.

Mayo Clinic Laboratories, Mayo Clinic
Classification: Benign. Last evaluated: 2016-11-28. Review status: no assertion criteria provided. Collection method: clinical testing. Allele origin: unknown. Not counted in ClinVar's aggregate classification.

Breast Cancer Information Core (BIC) (BRCA2)
Classification: Uncertain significance for Breast-ovarian cancer, familial 2. Last evaluated: 2002-05-29. Review status: no assertion criteria provided. Collection method: clinical testing. Allele origin: germline. Affected: yes. Observed: 54 variant alleles. Not counted in ClinVar's aggregate classification.

CHEO Genetics Diagnostic Laboratory, Children's Hospital of Eastern Ontario
Classification: Benign. Review status: no assertion criteria provided. Criteria: Clinical testing. Collection method: clinical testing. Allele origin: germline. Not counted in ClinVar's aggregate classification.

Diagnostic Laboratory, Department of Genetics, University Medical Center Groningen
Classification: Benign for Breast-ovarian cancer, familial, susceptibility to, 2. Review status: no assertion criteria provided. Collection method: clinical testing. Allele origin: germline. Affected: yes. Study: VKGL Data-share Consensus. Not counted in ClinVar's aggregate classification.

Literature cited by the submitters: PubMed 36329109 (cited by Genetics Program, Instituto Nacional de Cancer); PubMed 20215541 (cited by Department of Pathology and Laboratory Medicine, Sinai Health System); PubMed 8665505 (cited by Department of Pathology and Laboratory Medicine, Sinai Health System); PubMed 20104584 (cited by Department of Pathology and Laboratory Medicine, Sinai Health System); PubMed 9971877 (cited by Department of Pathology and Laboratory Medicine, Sinai Health System); PubMed 16234499 (cited by Department of Pathology and Laboratory Medicine, Sinai Health System); Couch et al., 1996 (cited by Breast Cancer Information Core (BIC) (BRCA2)).

NM_000059.4(BRCA2):c.7397= (p.Val2466=)

Gene: BRCA2 (BRCA2 DNA repair associated; plus strand). Cytogenetic location: 13q13.1.
Variant type: single nucleotide variant.
Coding change: c.7397= on transcript NM_000059.4 (MANE Select); coding-DNA position 7397, no change from the reference sequence.
Protein change: p.Val2466=; no amino-acid change (valine 2466 retained).
Molecular consequence: no sequence alteration.
Genome position: GRCh38 VCF-style: chr13-32355250-T-T. GRCh37 (hg19) VCF-style: chr13-32929387-T-T.
Other names: 7625 C>T; short protein forms A2466V.
Identifiers: ClinVar variation 52317 (VCV000052317.52), dbSNP rs169547.